The following is an entry in ClinVar:

ClinVar aggregate classification (germline): Uncertain significance (1 of 4 stars; one submission).

gnomAD v4.1: 467 of 1,613,032 alleles (0.029%); highest among the groups gnomAD compares: Non-Finnish European, 0.037%; no homozygotes.

Submission:

OLLIN Analises Genomicas, OLLIN
Classification: Uncertain significance. Last evaluated: 2026-08-06. Review status: criteria provided, single submitter. Criteria: ACMG Guidelines 2015 PMID 25741868. Collection method: clinical testing. Allele origin: germline.
Comment: This missense variant, located in exon 64 (of 81), has been observed in gnomAD with an allele frequency of 0.029%, but has not been reported in ClinVar or identified in the literature. In silico analysis is inconclusive regarding the impact of this variant. According to the currently available evidence, this variant has been classified as uncertain significance (PM2_P).

NM_173628.4(DNAH17):c.10264G>A (p.Asp3422Asn)

Gene: DNAH17 (dynein axonemal heavy chain 17; minus strand). Cytogenetic location: 17q25.3.
Variant type: single nucleotide variant.
Coding change: c.10264G>A on transcript NM_173628.4 (MANE Select); coding-DNA position 10264, G replaced by A.
Protein change: p.Asp3422Asn; replaces aspartic acid 3422 with asparagine.
Molecular consequence: missense variant.
Genome position (GRCh38, 1-based): chr17:78,454,612, C>T on the plus strand (G>A on the coding strand, the complement: DNAH17 is on the minus strand). VCF-style: chr17-78454612-C-T. GRCh37 (hg19) VCF-style: chr17-76450694-C-T.
Other names: short protein forms D3422N.
Identifiers: ClinVar variation 5003159 (VCV005003159.1).